The following is an entry in ClinVar:

NM_000497.4(CYP11B1):c.240-2A>G

Gene: CYP11B1 (cytochrome P450 family 11 subfamily B member 1; minus strand). Cytogenetic location: 8q24.3.
Variant type: single nucleotide variant.
Coding change: c.240-2A>G on transcript NM_000497.4 (MANE Select); the canonical splice acceptor site of the intron before coding-DNA position 240, A replaced by G.
Molecular consequence: splice acceptor variant.
Genome position (GRCh38, 1-based): chr8:142,879,189, T>C on the plus strand (A>G on the coding strand, the complement: CYP11B1 is on the minus strand). VCF-style: chr8-142879189-T-C. GRCh37 (hg19) VCF-style: chr8-143960605-T-C.
Other names: c.240-2A>G (NM_001026213.1).
Identifiers: ClinVar variation 1517985 (VCV001517985.6), dbSNP rs2130284737, ClinGen allele CA372396755.
Genomic context (GRCh38, chr8:142,879,189, plus strand): 5'-GCTTCTCCACGTCCTCCGGCAGCATCACACACACCATGCCTGCTCCTCCCAAGTCGTACC[T>C]GTGGGGCCAAGCACGAGGCCGTGCTGGATGGGACCATGTCCCCGCTAGCCCCACCCTGCA-3'

ClinVar aggregate classification (germline): Likely pathogenic (1 of 4 stars; one submission).

Submission:

Labcorp Genetics (formerly Invitae), Labcorp
Classification: Likely pathogenic. Last evaluated: 2021-10-23. Review status: criteria provided, single submitter. Criteria: Invitae Variant Classification Sherloc (09022015). Collection method: clinical testing. Allele origin: germline.
Comment: Algorithms developed to predict the effect of sequence changes on RNA splicing suggest that this variant may disrupt the consensus splice site. This sequence change affects an acceptor splice site in intron 1 of the CYP11B1 gene. It is expected to disrupt RNA splicing. Variants that disrupt the donor or acceptor splice site typically lead to a loss of protein function (PMID: 16199547), and loss-of-function variants in CYP11B1 are known to be pathogenic (PMID: 8506298, 26476331). This variant is not present in population databases (ExAC no frequency). This variant has not been reported in the literature in individuals affected with CYP11B1-related conditions. In summary, the currently available evidence indicates that the variant is pathogenic, but additional data are needed to prove that conclusively. Therefore, this variant has been classified as Likely Pathogenic.

Literature cited by the submitters: PubMed 16199547; PubMed 8506298; PubMed 26476331.